The following is an entry in ClinVar:

ClinVar aggregate classification (germline): Uncertain significance (1 of 4 stars; one submission).

Submission:

Labcorp Genetics (formerly Invitae), Labcorp
Classification: Uncertain significance. Last evaluated: 2023-04-20. Review status: criteria provided, single submitter. Criteria: Invitae Variant Classification Sherloc (09022015). Collection method: clinical testing. Allele origin: germline.
Comment: In summary, the available evidence is currently insufficient to determine the role of this variant in disease. Therefore, it has been classified as a Variant of Uncertain Significance. Advanced modeling of protein sequence and biophysical properties (such as structural, functional, and spatial information, amino acid conservation, physicochemical variation, residue mobility, and thermodynamic stability) performed at Invitae indicates that this missense variant is not expected to disrupt MMP14 protein function. This variant has not been reported in the literature in individuals affected with MMP14-related conditions. This variant is not present in population databases (gnomAD no frequency). This sequence change replaces glycine, which is neutral and non-polar, with arginine, which is basic and polar, at codon 48 of the MMP14 protein (p.Gly48Arg).

NM_004995.4(MMP14):c.142G>C (p.Gly48Arg)

Gene: MMP14 (matrix metallopeptidase 14; plus strand). Cytogenetic location: 14q11.2.
Variant type: single nucleotide variant.
Coding change: c.142G>C on transcript NM_004995.4 (MANE Select); coding-DNA position 142, G replaced by C.
Protein change: p.Gly48Arg; replaces glycine 48 with arginine.
Molecular consequence: missense variant.
Genome position (GRCh38, 1-based): chr14:22,841,524, G>C. VCF-style: chr14-22841524-G-C. GRCh37 (hg19) VCF-style: chr14-23310733-G-C.
Other names: short protein forms G48R.
Identifiers: ClinVar variation 2815123 (VCV002815123.3), dbSNP rs780006498, ClinGen allele CA7105092.